The following is an entry in ClinVar:

ClinVar aggregate classification (germline): Uncertain significance (1 of 4 stars; one submission).

gnomAD v4.1: 9 of 1,614,166 alleles (0.00056%); highest among the groups gnomAD compares: Non-Finnish European, 0.00068%; no homozygotes.

Submission:

Women's Health and Genetics/Laboratory Corporation of America, LabCorp
Classification: Uncertain significance. Last evaluated: 2024-08-15. Review status: criteria provided, single submitter. Criteria: LabCorp Variant Classification Summary - May 2015. Collection method: clinical testing. Allele origin: germline.
Comment: Variant summary: POU4F3 c.811G>T (p.Gly271Cys) results in a non-conservative amino acid change in the encoded protein sequence. Five of five in-silico tools predict a damaging effect of the variant on protein function. The variant was absent in 251222 control chromosomes (gnomAD). The available data on variant occurrences in the general population are insufficient to allow any conclusion about variant significance. To our knowledge, no occurrence of c.811G>T in individuals affected with Autosomal Dominant Nonsyndromic Hearing Loss 15 and no experimental evidence demonstrating its impact on protein function have been reported. No submitters have cited clinical-significance assessments for this variant to ClinVar. Based on the evidence outlined above, the variant was classified as uncertain significance.

NM_002700.3(POU4F3):c.811G>T (p.Gly271Cys)

Genes: POU4F3 (POU class 4 homeobox 3; plus strand), LOC127814297 (RBM27-POU4F3; plus strand). Cytogenetic location: 5q32.
Variant type: single nucleotide variant.
Coding change: c.811G>T on transcript NM_002700.3 (MANE Select); coding-DNA position 811, G replaced by T.
Protein change: p.Gly271Cys; replaces glycine 271 with cysteine.
Molecular consequence: missense variant. On other transcripts: 3 prime UTR variant (1).
Genome position (GRCh38, 1-based): chr5:146,340,238, G>T. VCF-style: chr5-146340238-G-T. GRCh37 (hg19) VCF-style: chr5-145719801-G-T.
Other names: c.*680G>T (NM_001414499.1); short protein forms G271C.
Identifiers: ClinVar variation 3366778 (VCV003366778.1).